The following is an entry in ClinVar:

ClinVar aggregate classification (germline): Pathogenic/Likely pathogenic. Review status: criteria provided, multiple submitters, no conflicts (2 of 4 stars). 13 submissions from 13 submitters: Pathogenic (9); Likely pathogenic (1). 3 of the submissions do not count toward it. Last evaluated 2025-10-14.

Conditions:
MPZ-related disorder. Also called: MPZ-related condition; MPZ-related disorders.
Charcot-Marie-Tooth disease. Also called: Charcot-Marie-Tooth Hereditary Neuropathy; Charcot-Marie-Tooth Neuropathy. Identifiers: Orphanet 166, MedGen C0007959, MONDO:0015626.
Inborn genetic diseases. Identifiers: MedGen C0950123, MeSH D030342.
Charcot-Marie-Tooth disease, type I (CMT1). Also called: Charcot-Marie-Tooth, Type 1; Charcot-Marie-Tooth disease type 1. Identifiers: Orphanet 65753, MedGen C0751036, MONDO:0019011.
Charcot-Marie-Tooth disease type 1B. Also called: PERONEAL MUSCULAR ATROPHY; Charcot-Marie-Tooth disease, demyelinating, type 1b; Hereditary motor and sensory neuropathy 1B; Charcot-Marie-Tooth disease, type IB; CHARCOT-MARIE-TOOTH DISEASE, AUTOSOMAL DOMINANT, WITH FOCALLY FOLDED MYELIN SHEATHS, TYPE 1B; CHARCOT-MARIE-TOOTH DISEASE, SLOW NERVE CONDUCTION TYPE, LINKED TO DUFFY. Identifiers: Orphanet 101082, MedGen C0270912, MONDO:0007307, OMIM 118200.
Pes cavus. Identifiers: MedGen C0728829, HP:0001761.
Distal lower limb amyotrophy. Identifiers: MedGen C1836451, HP:0008944.
Sensory neuropathy. Identifiers: MedGen C0151313, MONDO:0002321, HP:0000763.
Distal muscle weakness. Identifiers: MedGen C0427065, HP:0002460.
Decreased nerve conduction velocity. Identifiers: MedGen C1857640, HP:0000762.

Allele frequency attached by ClinVar (database versions not stated): TOPMed below 0.00001; gnomAD 0.00001.

Submissions (13):

Labcorp Genetics (formerly Invitae), Labcorp
Classification: Pathogenic for Charcot-Marie-Tooth disease, type I. Last evaluated: 2025-10-14. Review status: criteria provided, single submitter. Criteria: Invitae Variant Classification Sherloc (09022015). Collection method: clinical testing. Allele origin: germline.
Comment: This sequence change replaces arginine, which is basic and polar, with histidine, which is basic and polar, at codon 98 of the MPZ protein (p.Arg98His). This variant is not present in population databases (gnomAD no frequency). This missense change has been observed in individuals with Charcot-Marie-Tooth disease type 1 (PMID: 7688964, 8644725, 10581375, 12477701, 20215982). It has also been observed to segregate with disease in related individuals. Invitae Evidence Modeling of clinical and family history, age, sex, and reported ancestry of multiple individuals with this MPZ variant has been performed. This variant is expected to be pathogenic with a positive predictive value of at least 99%. This is a validated machine learning model that incorporates the clinical features of 13,236 individuals referred to our laboratory for MPZ testing. ClinVar contains an entry for this variant (Variation ID: 14176). Invitae Evidence Modeling of protein sequence and biophysical properties (such as structural, functional, and spatial information, amino acid conservation, physicochemical variation, residue mobility, and thermodynamic stability) indicates that this missense variant is expected to disrupt MPZ protein function with a positive predictive value of 80%. Experimental studies have shown that this missense change affects MPZ function (PMID: 20461396). For these reasons, this variant has been classified as Pathogenic.

PreventionGenetics, part of Exact Sciences
Classification: Pathogenic for MPZ-related condition. Last evaluated: 2025-07-23. Review status: criteria provided, single submitter. Criteria: ACMG Guidelines, 2015. Collection method: clinical testing. Allele origin: germline.
Comment: The MPZ c.293G>A variant is predicted to result in the amino acid substitution p.Arg98His. This variant has been reported in many individuals and families with Charcot-Marie-Tooth disease, type 1B (Ohnishi et al. 1999. PubMed ID: 10581375; Lee et al. 2010. PubMed ID: 20461396; Hsu et al. 2019. PubMed ID: 31211173; Volodarsky et al. 2020. PubMed ID: 32376792; Hayasaka et al. 1993. PubMed ID: 7688964; Gabreëls-Festen et al. 1996. PubMed ID: 8797476). This variant has not been reported in a large population database (gnomAD), indicating this variant is rare. This variant is interpreted as pathogenic.

Athena Diagnostics
Classification: Pathogenic. Last evaluated: 2024-08-08. Review status: criteria provided, single submitter. Criteria: Athena Diagnostics Criteria. Collection method: clinical testing. Allele origin: unknown.
Comment: The frequency of this variant in the general population is consistent with pathogenicity. This variant has been identified in multiple unrelated individuals with autosomal dominant Charcot-Marie-Tooth disease. This variant segregates with disease in multiple families. Assessment of experimental evidence suggests this variant results in abnormal protein function. (PMID: 20461396, 29687021) The variant is located in a region that is considered important for protein function and/or structure. At least one other missense variant at this codon is considered to be pathogenic or likely pathogenic, suggesting this variant may also cause disease.

GeneDx
Classification: Pathogenic. Last evaluated: 2024-05-29. Review status: criteria provided, single submitter. Criteria: GeneDx Variant Classification Process June 2021. Collection method: clinical testing. Allele origin: germline. Affected: yes.
Comment: Published functional studies demonstrate a damaging effect on cell adhesiveness (PMID: 20461396); Not observed at significant frequency in large population cohorts (gnomAD); Missense variants in this gene are a common cause of disease and they are underrepresented in the general population; In silico analysis supports that this missense variant has a deleterious effect on protein structure/function; This variant is associated with the following publications: (PMID: 31211173, 33179255, 31372974, 12221176, 8797476, 7688964, 10737979, 20215982, 10581375, 11437164, 29687021, 32376792, 33726816, 36203352, 37273706, 29136549, 10545037, 37581289, 15729519, 34925207, 12477701, 26310628, 20461396, 8644725, 21840889, 22689911)

Blueprint Genetics
Classification: Pathogenic for MPZ-related disorders. Last evaluated: 2023-04-06. Review status: criteria provided, single submitter. Criteria: ACMG Guidelines, 2015. Collection method: clinical testing. Allele origin: germline. Affected: yes. Observed: 2 variant alleles.

Mayo Clinic Laboratories, Mayo Clinic
Classification: Pathogenic. Last evaluated: 2022-01-20. Review status: criteria provided, single submitter. Criteria: ACMG Guidelines, 2015. Collection method: clinical testing. Allele origin: germline.
Comment: PM1, PM2, PS3, PS4

CeGaT Center for Human Genetics Tuebingen
Classification: Pathogenic. Last evaluated: 2021-10-01. Review status: criteria provided, single submitter. Criteria: CeGaT Center For Human Genetics Tuebingen Variant Classification Criteria Version 2. Collection method: clinical testing. Allele origin: germline. Affected: yes. Observed: 2 variant alleles.

Ambry Genetics
Classification: Pathogenic for Inborn genetic diseases. Last evaluated: 2020-03-25. Review status: criteria provided, single submitter. Criteria: Ambry Variant Classification Scheme 2023. Collection method: clinical testing. Allele origin: germline.
Comment: The p.R98H pathogenic mutation (also known as c.293G>A), located in coding exon 3 of the MPZ gene, results from a G to A substitution at nucleotide position 293. The arginine at codon 98 is replaced by histidine, an amino acid with highly similar properties. This alteration has been reported in multiple individuals with demyelinating Charcot-Marie Tooth disease and to co-segregate with disease in multiple families (Lagueny A et al. Neuromuscul. Disord., 1999 Oct;9:361-7; Ohnishi A et al. J. Neurol. Sci., 1999 Dec;171:97-109; Rouger H et al. Am. J. Hum. Genet., 1996 Mar;58:638-41). Additionally, in vitro functional studies have shown that protein with this alteration fails to localize to the cell membrane and increases the unfolded protein response in the cell (Bai Y et al. Ann Clin Transl Neurol, 2018 Apr;5:445-455; Lee YC et al. J. Neurol., 2010 Oct;257:1661-8). This variant was not reported in population-based cohorts in the Genome Aggregation Database (gnomAD). Based on the supporting evidence, this alteration is interpreted as a disease-causing mutation.

Centre for Mendelian Genomics, University Medical Centre Ljubljana
Classification: Likely pathogenic for Decreased nerve conduction velocity; Distal lower limb amyotrophy; Distal muscle weakness; Pes cavus; Sensory neuropathy. Last evaluated: 2014-09-19. Review status: criteria provided, single submitter. Criteria: ACMG Guidelines, 2015. Collection method: clinical testing. Allele origin: unknown. Affected: yes.

Molecular Genetics Laboratory, London Health Sciences Centre
Classification: Pathogenic for Charcot-Marie-Tooth disease. Review status: criteria provided, single submitter. Criteria: ACMG Guidelines, 2015. Collection method: clinical testing. Allele origin: germline. Affected: yes.

OMIM
Classification: Pathogenic for CHARCOT-MARIE-TOOTH DISEASE, TYPE 1B. Last evaluated: 2002-09-10. Review status: no assertion criteria provided. Collection method: literature only. Allele origin: germline. Not counted in ClinVar's aggregate classification.

Clinical Genetics, Academic Medical Center
Classification: Pathogenic. Review status: no assertion criteria provided. Collection method: clinical testing. Allele origin: germline. Affected: yes. Study: VKGL Data-share Consensus. Not counted in ClinVar's aggregate classification.

Joint Genome Diagnostic Labs from Nijmegen and Maastricht, Radboudumc and MUMC+
Classification: Pathogenic. Review status: no assertion criteria provided. Collection method: clinical testing. Allele origin: germline. Affected: yes. Study: VKGL Data-share Consensus. Not counted in ClinVar's aggregate classification.

Literature cited by the submitters: PubMed 7688964 (cited by 3 submitters); PubMed 8644725 (cited by 3 submitters); PubMed 10581375 (cited by 4 submitters); PubMed 12477701 (cited by Labcorp Genetics (formerly Invitae), Labcorp); PubMed 20215982 (cited by 3 submitters); PubMed 20461396 (cited by 3 submitters); PubMed 11437164 (cited by Athena Diagnostics); PubMed 29687021 (cited by 3 submitters); PubMed 29136549 (cited by Athena Diagnostics and Mayo Clinic Laboratories, Mayo Clinic); PubMed 10545037 (cited by 3 submitters); PubMed 33179255 (cited by Athena Diagnostics); PubMed 26310628 (cited by Athena Diagnostics); PubMed 34925207 (cited by Athena Diagnostics); PubMed 15729519 (cited by Athena Diagnostics); PubMed 26989944 (cited by Athena Diagnostics); PubMed 36203352 (cited by Athena Diagnostics); PubMed 27088055 (cited by Athena Diagnostics); PubMed 37581289 (cited by Athena Diagnostics); PubMed 35562614 (cited by Athena Diagnostics); PubMed 31211173 (cited by Mayo Clinic Laboratories, Mayo Clinic); PubMed 31372974 (cited by Mayo Clinic Laboratories, Mayo Clinic); PubMed 12221176 (cited by OMIM).

NM_000530.8(MPZ):c.293G>A (p.Arg98His)

Gene: MPZ (myelin protein zero; minus strand). Cytogenetic location: 1q23.3.
Variant type: single nucleotide variant.
Coding change: c.293G>A on transcript NM_000530.8 (MANE Select); coding-DNA position 293, G replaced by A.
Protein change: p.Arg98His; replaces arginine 98 with histidine.
Molecular consequence: missense variant.
Genome position (GRCh38, 1-based): chr1:161,306,863, C>T on the plus strand (G>A on the coding strand, the complement: MPZ is on the minus strand). VCF-style: chr1-161306863-C-T. GRCh37 (hg19) VCF-style: chr1-161276653-C-T.
Other names: c.293G>A, p.Arg98His (LRG_256t1, NM_001315491.2); short protein forms R98H.
Identifiers: ClinVar variation 14176 (VCV000014176.72), dbSNP rs121913589, ClinGen allele CA257154.